The following is an entry in ClinVar:

NM_004336.5(BUB1):c.1957A>G (p.Lys653Glu)

Gene: BUB1 (BUB1 mitotic checkpoint serine/threonine kinase; minus strand). Cytogenetic location: 2q13.
Variant type: single nucleotide variant.
Coding change: c.1957A>G on transcript NM_004336.5 (MANE Select); coding-DNA position 1957, A replaced by G.
Protein change: p.Lys653Glu; replaces lysine 653 with glutamic acid.
Molecular consequence: missense variant.
Genome position (GRCh38, 1-based): chr2:110,653,443, T>C on the plus strand (A>G on the coding strand, the complement: BUB1 is on the minus strand). VCF-style: chr2-110653443-T-C. GRCh37 (hg19) VCF-style: chr2-111411020-T-C.
Other names: c.1897A>G, p.Lys633Glu (NM_001278616.2); c.1957A>G, p.Lys653Glu (NM_001278617.2); short protein forms K633E, K653E.
Identifiers: ClinVar variation 1783324 (VCV001783324.2), dbSNP rs1300417404, ClinGen allele CA348210228.

ClinVar aggregate classification (germline): Uncertain significance (1 of 4 stars; one submission).

Allele frequency attached by ClinVar (database versions not stated): TOPMed below 0.00001.
gnomAD v4.1: 3 of 1,613,666 alleles (0.00019%); highest among the groups gnomAD compares: Non-Finnish European, 0.00025%; no homozygotes.

Submission:

Ambry Genetics
Classification: Uncertain significance. Last evaluated: 2024-02-22. Review status: criteria provided, single submitter. Criteria: Ambry Variant Classification Scheme 2023. Collection method: clinical testing. Allele origin: germline.
Comment: The p.K653E variant (also known as c.1957A>G), located in coding exon 17 of the BUB1 gene, results from an A to G substitution at nucleotide position 1957. The lysine at codon 653 is replaced by glutamic acid, an amino acid with similar properties. This amino acid position is conserved. In addition, the in silico prediction for this alteration is inconclusive. Since supporting evidence is limited at this time, the clinical significance of this alteration remains unclear.